The following is an entry in ClinVar:

NM_002474.3(MYH11):c.1402-10A>G

Gene: MYH11 (myosin heavy chain 11; minus strand). Cytogenetic location: 16p13.11.
Variant type: single nucleotide variant.
Coding change: c.1402-10A>G on transcript NM_002474.3 (MANE Select); 10 bases into the intron before coding-DNA position 1402, A replaced by G.
Molecular consequence: intron variant.
Genome position (GRCh38, 1-based): chr16:15,758,010, T>C on the plus strand (A>G on the coding strand, the complement: MYH11 is on the minus strand). VCF-style: chr16-15758010-T-C. GRCh37 (hg19) VCF-style: chr16-15851867-T-C.
Other names: c.1402-10A>G (NM_022844.3); c.1423-10A>G (NM_001040114.2, NM_001040113.2).
Identifiers: ClinVar variation 3073592 (VCV003073592.2), dbSNP rs2506381331, ClinGen allele CA2825002398.

ClinVar aggregate classification (germline): Likely benign. Review status: criteria provided, multiple submitters, no conflicts (2 of 4 stars). 2 submissions from 2 submitters: Likely benign (2). Last evaluated 2023-10-02.

Conditions:
Familial thoracic aortic aneurysm and aortic dissection (TAAD). Also called: Thoracic aortic aneurysms and dissections. Identifiers: Orphanet 91387, MedGen C4707243, MONDO:0019625.

Submissions (2):

All of Us Research Program, National Institutes of Health
Classification: Likely benign for Familial thoracic aortic aneurysm and aortic dissection. Last evaluated: 2023-10-02. Review status: criteria provided, single submitter. Criteria: ACMG Guidelines, 2015. Collection method: clinical testing. Allele origin: germline. Inheritance: Autosomal dominant inheritance. Observed: 1 variant allele, 1 heterozygote.
Comment: This study involves interpretation of variants in research participants for the purpose of population health screening. Participant phenotype was not available at the time of variant classification. Additional details can be found in publication PMID: 35346344, PMCID: PMC8962531

Color Diagnostics, LLC DBA Color Health
Classification: Likely benign for Familial thoracic aortic aneurysm and aortic dissection. Last evaluated: 2023-08-09. Review status: criteria provided, single submitter. Criteria: ACMG Guidelines, 2015. Collection method: clinical testing. Allele origin: germline.